The following is an entry in ClinVar:

NM_017433.5(MYO3A):c.1777-4T>G

Gene: MYO3A (myosin IIIA; plus strand). Cytogenetic location: 10p12.1.
Variant type: single nucleotide variant.
Coding change: c.1777-4T>G on transcript NM_017433.5 (MANE Select); 4 bases into the intron before coding-DNA position 1777, T replaced by G.
Molecular consequence: intron variant.
Genome position (GRCh38, 1-based): chr10:26,120,672, T>G. VCF-style: chr10-26120672-T-G. GRCh37 (hg19) VCF-style: chr10-26409601-T-G.
Identifiers: ClinVar variation 737252 (VCV000737252.8), dbSNP rs41279910, ClinGen allele CA5444776.

ClinVar aggregate classification (germline): Likely benign. Review status: criteria provided, single submitter (1 of 4 stars). 2 submissions from 2 submitters: Likely benign (1). 1 of the submissions does not count toward it. Last evaluated 2023-08-14.

Conditions:
MYO3A-related disorder. Also called: MYO3A-related condition.

Allele frequency attached by ClinVar (database versions not stated): gnomAD exomes 0.00012 and 0.00017; 1000 Genomes Project 0.00040; 1000 Genomes Project 30x 0.00047; gnomAD 0.00007 and 0.00009; TOPMed 0.00009; ESP Exome Variant Server 0.00023; ExAC 0.00013.

Submissions (2):

Labcorp Genetics (formerly Invitae), Labcorp
Classification: Likely benign. Last evaluated: 2023-08-14. Review status: criteria provided, single submitter. Criteria: Invitae Variant Classification Sherloc (09022015). Collection method: clinical testing. Allele origin: germline.

PreventionGenetics, part of Exact Sciences
Classification: Likely benign for MYO3A-related condition. Last evaluated: 2019-03-27. Review status: no assertion criteria provided. Collection method: clinical testing. Allele origin: germline. Not counted in ClinVar's aggregate classification.
Comment: This variant is classified as likely benign based on ACMG/AMP sequence variant interpretation guidelines (Richards et al. 2015 PMID: 25741868, with internal and published modifications).